The following is an entry in ClinVar:

NM_012275.3(IL36RN):c.266A>G (p.Tyr89Cys)

Gene: IL36RN (interleukin 36 receptor antagonist; plus strand). Cytogenetic location: 2q14.1.
Variant type: single nucleotide variant.
Coding change: c.266A>G on transcript NM_012275.3 (MANE Select); coding-DNA position 266, A replaced by G.
Protein change: p.Tyr89Cys; replaces tyrosine 89 with cysteine.
Molecular consequence: missense variant.
Genome position (GRCh38, 1-based): chr2:113,062,475, A>G. VCF-style: chr2-113062475-A-G. GRCh37 (hg19) VCF-style: chr2-113820052-A-G.
Other names: c.266A>G, p.Tyr89Cys (NM_173170.1); short protein forms Y89C.
Identifiers: ClinVar variation 1058368 (VCV001058368.9), dbSNP rs1213179423, ClinGen allele CA348290244.
Genomic context (GRCh38, chr2:113,062,475, plus strand): 5'-CTTCTGCCCTCACCTGACCTCCCCTCCTCTGCCGGCAGCCAGTGAACATCATGGAGCTCT[A>G]TCTTGGTGCCAAGGAATCCAAGAGCTTCACCTTCTACCGGCGGGACATGGGGCTCACCTC-3'
Protein context (NP_036407.1, residues 79-99): TLEPVNIMEL[Tyr89Cys]LGAKESKSFT

ClinVar aggregate classification (germline): Uncertain significance. Review status: criteria provided, multiple submitters, no conflicts (2 of 4 stars). 3 submissions from 3 submitters: Uncertain significance (3). Last evaluated 2022-06-20.

Conditions:
Generalized pustular psoriasis. Identifiers: Orphanet 247353, MedGen C0343055, MONDO:0100491.
Acrodermatitis continua suppurativa of Hallopeau (PSORS14). Also called: INTERLEUKIN 36 RECEPTOR ANTAGONIST DEFICIENCY; Psoriasis 14, pustular; ACRODERMATITIS CONTINUA OF HALLOPEAU. Identifiers: Orphanet 163931, MedGen C0392439, MONDO:0013626, OMIM 614204.

gnomAD v4.1: 5 of 1,613,962 alleles (0.00031%); highest among the groups gnomAD compares: East Asian, 0.0022%; no homozygotes.

Submissions (3):

Labcorp Genetics (formerly Invitae), Labcorp
Classification: Uncertain significance for Generalized pustular psoriasis. Last evaluated: 2022-06-20. Review status: criteria provided, single submitter. Criteria: Invitae Variant Classification Sherloc (09022015). Collection method: clinical testing. Allele origin: germline.
Comment: In summary, the available evidence is currently insufficient to determine the role of this variant in disease. Therefore, it has been classified as a Variant of Uncertain Significance. Algorithms developed to predict the effect of missense changes on protein structure and function (SIFT, PolyPhen-2, Align-GVGD) all suggest that this variant is likely to be disruptive. ClinVar contains an entry for this variant (Variation ID: 1058368). This variant has not been reported in the literature in individuals affected with IL36RN-related conditions. This variant is not present in population databases (gnomAD no frequency). This sequence change replaces tyrosine, which is neutral and polar, with cysteine, which is neutral and slightly polar, at codon 89 of the IL36RN protein (p.Tyr89Cys).

Fulgent Genetics
Classification: Uncertain significance for Acrodermatitis continua suppurativa of Hallopeau. Last evaluated: 2021-08-02. Review status: criteria provided, single submitter. Criteria: ACMG Guidelines, 2015. Collection method: clinical testing. Allele origin: unknown.

Blueprint Genetics
Classification: Uncertain significance. Last evaluated: 2019-09-16. Review status: criteria provided, single submitter. Criteria: ACMG Guidelines, 2015. Collection method: clinical testing. Allele origin: germline.